The following is an entry in ClinVar:

ClinVar aggregate classification (germline): Uncertain significance. Review status: criteria provided, multiple submitters, no conflicts (2 of 4 stars). 2 submissions from 2 submitters: Uncertain significance (2). Last evaluated 2023-12-26.

Allele frequency attached by ClinVar (database versions not stated): gnomAD exomes below 0.00001; TOPMed 0.00001; ExAC 0.00001; gnomAD 0.00001.
gnomAD v4.1: 9 of 1,614,072 alleles (0.00056%); highest among the groups gnomAD compares: South Asian, 0.0033%; no homozygotes.

Submissions (2):

Ambry Genetics
Classification: Uncertain significance. Last evaluated: 2023-12-26. Review status: criteria provided, single submitter. Criteria: Ambry Variant Classification Scheme 2023. Collection method: clinical testing. Allele origin: germline.

Labcorp Genetics (formerly Invitae), Labcorp
Classification: Uncertain significance. Last evaluated: 2023-01-10. Review status: criteria provided, single submitter. Criteria: Invitae Variant Classification Sherloc (09022015). Collection method: clinical testing. Allele origin: germline.
Comment: In summary, the available evidence is currently insufficient to determine the role of this variant in disease. Therefore, it has been classified as a Variant of Uncertain Significance. Advanced modeling of protein sequence and biophysical properties (such as structural, functional, and spatial information, amino acid conservation, physicochemical variation, residue mobility, and thermodynamic stability) performed at Invitae indicates that this missense variant is not expected to disrupt ERMARD protein function. This variant has not been reported in the literature in individuals affected with ERMARD-related conditions. This variant is present in population databases (rs768643072, gnomAD 0.006%). This sequence change replaces arginine, which is basic and polar, with cysteine, which is neutral and slightly polar, at codon 544 of the ERMARD protein (p.Arg544Cys).

NM_018341.3(ERMARD):c.1630C>T (p.Arg544Cys)

Gene: ERMARD (ER membrane associated RNA degradation; plus strand). Cytogenetic location: 6q27.
Variant type: single nucleotide variant.
Coding change: c.1630C>T on transcript NM_018341.3 (MANE Select); coding-DNA position 1630, C replaced by T.
Protein change: p.Arg544Cys; replaces arginine 544 with cysteine.
Molecular consequence: missense variant. On other transcripts: intron variant (2).
Genome position (GRCh38, 1-based): chr6:169,776,564, C>T. VCF-style: chr6-169776564-C-T. GRCh37 (hg19) VCF-style: chr6-170176660-C-T.
Other names: c.1630C>T (NM_018341.1); c.1252C>T, p.Arg418Cys (NM_001278532.2); c.1222C>T, p.Arg408Cys (NM_001410957.1); c.1598+153C>T (NM_001278531.2); c.1520+499C>T (NM_001278533.2); short protein forms R418C, R544C, R408C.
Identifiers: ClinVar variation 2076622 (VCV002076622.5), dbSNP rs768643072, ClinGen allele CA4106364.
Genomic context (GRCh38, chr6:169,776,564, plus strand): 5'-TTCTGCCCCAGGATTGTGCTGGAAGTGCTGGTTGTGCTCCGAAGCATCAGCGAACAGTGC[C>T]GCCGTGTGTCCAGCCAGGTCACCGTTGCCTCAGAGCTGAGACACAGGCAGTGGGTGGAAA-3'
Protein context (NP_060811.1, residues 534-554): VVLRSISEQC[Arg544Cys]RVSSQVTVAS